The following is an entry in ClinVar:

ClinVar aggregate classification (germline): Uncertain significance (1 of 4 stars; one submission).

Submission:

Women's Health and Genetics/Laboratory Corporation of America, LabCorp
Classification: Uncertain significance. Last evaluated: 2026-06-29. Review status: criteria provided, single submitter. Criteria: LabCorp Variant Classification Summary - May 2015. Collection method: clinical testing. Allele origin: germline.
Comment: Variant summary: The variant involves the duplication of exons 5-8 in the PAX3 gene (NM_181457.4). A presumed nomenclature of c.(586+1_587-1)_(*212_?)dup has been designated for the purposes of this classification. The exact breakpoint at the 3' end of this variant is unknown, therefore this duplication may extend downstream of the annotated region of the gene. As it duplicates the termination codon, its effect on the encoded protein is unknown. A large duplication, which includes exons 5-8 in the PAX3 gene was found at a frequency of 2.2e-06 in 462883 control chromosomes in the gnomAD database (CNVs v4.1 dataset). The available data on variant occurrences in the general population are insufficient to allow any conclusion about variant significance. To our knowledge, no occurrence of c.(586+1_587-1)_(*212_?)dup in individuals affected with PAX3-related conditions and no experimental evidence demonstrating its impact on protein function have been reported. No submitters have cited clinical-significance assessments for this variant to ClinVar. Based on the evidence outlined above, the variant was classified as uncertain significance.

NC_000002.11:g.(?_223066431)_(223097003_223158885)dup

Gene: PAX3 (paired box 3; minus strand). Cytogenetic location: 2q36.1.
Variant type: Duplication.
Identifiers: ClinVar variation 4887577 (VCV004887577.1).